The following is an entry in ClinVar:

NM_003001.5(SDHC):c.21-10dup

Gene: SDHC (succinate dehydrogenase complex subunit C; plus strand). Cytogenetic location: 1q23.3.
Variant type: Duplication.
Coding change: c.21-10dup on transcript NM_003001.5 (MANE Select); 10 bases into the intron before coding-DNA position 21, one base duplicated (T; older notation c.21-10dupT).
Molecular consequence: intron variant.
Genome position (GRCh38, 1-based): chr1:161,323,604, T duplicated; the last of 2 consecutive T bases (chr1:161,323,603-161,323,604); duplicating either gives the same sequence. VCF-style (leftmost placement, unchanged base first): chr1-161323602-C-CT. GRCh37 (hg19) VCF-style: chr1-161293392-C-CT.
Other names: c.21-10dupT (NM_003001.3); c.-91-10dup (NM_001407119.1); c.-209-10dup (NM_001407120.1); c.21-10dup (NM_001407115.1, NM_001035511.3, NM_001035512.3 and 2 more transcripts); c.21-4792dup (NM_001407116.1, NM_001407121.1, NM_001407117.1); c.20+9179dup (NM_001035513.3).
Identifiers: ClinVar variation 293316 (VCV000293316.12), dbSNP rs759481419, ClinGen allele CA046470.

ClinVar aggregate classification (germline): Likely benign. Review status: criteria provided, multiple submitters, no conflicts (2 of 4 stars). 6 submissions from 6 submitters: Likely benign (5). 1 of the submissions does not count toward it. Last evaluated 2025-03-14.

Conditions:
Hereditary pheochromocytoma and paraganglioma. Also called: Hereditary paragangliomas and pheochromocytomas; Hereditary Paraganglioma-Pheochromocytoma Syndromes; Hereditary pheochromocytoma-paraganglioma. Identifiers: Orphanet 29072, MedGen C4274332, MONDO:0017366.
Pheochromocytoma/paraganglioma syndrome 3. Also called: Paragangliomas 3; SDHC-Related Hereditary Paraganglioma-Pheochromocytoma Syndrome (Paragangliomas 3); SDHC-Related Hereditary Paraganglioma-Pheochromocytoma Syndrome; GLOMUS TUMORS, FAMILIAL, 3. Identifiers: Orphanet 29072, MedGen C1854336, MONDO:0011544, OMIM 605373.
Hereditary cancer-predisposing syndrome. Also called: Hereditary Cancer Syndrome; Hereditary neoplastic syndrome; Neoplastic Syndromes, Hereditary; Tumor predisposition. Identifiers: Orphanet 140162, MedGen C0027672, MeSH D009386, MONDO:0015356.
SDHC-related disorder. Also called: SDHC-related condition.

Submissions (6):

Myriad Genetics, Inc.
Classification: Likely benign for Pheochromocytoma/paraganglioma syndrome 3. Last evaluated: 2025-03-14. Review status: criteria provided, single submitter. Criteria: Myriad Autosomal Dominant, Autosomal Recessive and X-Linked Classification Criteria (2023). Collection method: clinical testing. Allele origin: unknown.
Comment: This variant is considered likely benign. This variant is intronic and is not expected to impact mRNA splicing.

All of Us Research Program, National Institutes of Health
Classification: Likely benign for Hereditary pheochromocytoma and paraganglioma. Last evaluated: 2024-07-20. Review status: criteria provided, single submitter. Criteria: ACMG Guidelines, 2015. Collection method: clinical testing. Allele origin: germline. Inheritance: Autosomal dominant inheritance. Observed: 10 variant alleles, 10 heterozygotes.
Comment: This study involves interpretation of variants in research participants for the purpose of population health screening. Participant phenotype was not available at the time of variant classification. Additional details can be found in publication PMID: 35346344, PMCID: PMC8962531

Color Diagnostics, LLC DBA Color Health
Classification: Likely benign for Hereditary pheochromocytoma and paraganglioma. Last evaluated: 2022-11-14. Review status: criteria provided, single submitter. Criteria: ACMG Guidelines, 2015. Collection method: clinical testing. Allele origin: germline.

Sema4
Classification: Likely benign for Hereditary cancer-predisposing syndrome. Last evaluated: 2021-08-06. Review status: criteria provided, single submitter. Criteria: Sema4 Curation Guidelines. Collection method: curation. Allele origin: germline.

GeneDx
Classification: Likely benign. Last evaluated: 2020-10-08. Review status: criteria provided, single submitter. Criteria: GeneDx Variant Classification Process June 2021. Collection method: clinical testing. Allele origin: germline. Affected: yes.

PreventionGenetics, part of Exact Sciences
Classification: Likely benign for SDHC-related condition. Last evaluated: 2021-04-13. Review status: no assertion criteria provided. Collection method: clinical testing. Allele origin: germline. Not counted in ClinVar's aggregate classification.
Comment: This variant is classified as likely benign based on ACMG/AMP sequence variant interpretation guidelines (Richards et al. 2015 PMID: 25741868, with internal and published modifications).